The following is an entry in ClinVar:

NM_019112.4(ABCA7):c.2685-4G>T

Gene: ABCA7 (ATP binding cassette subfamily A member 7; plus strand). Cytogenetic location: 19p13.3.
Variant type: single nucleotide variant.
Coding change: c.2685-4G>T on transcript NM_019112.4 (MANE Select); 4 bases into the intron before coding-DNA position 2685, G replaced by T.
Molecular consequence: intron variant.
Genome position (GRCh38, 1-based): chr19:1,051,151, G>T. VCF-style: chr19-1051151-G-T. GRCh37 (hg19) VCF-style: chr19-1051150-G-T.
Identifiers: ClinVar variation 713232 (VCV000713232.5), dbSNP rs201967707, ClinGen allele CA9033716.

ClinVar aggregate classification (germline): Benign/Likely benign. Review status: criteria provided, multiple submitters, no conflicts (2 of 4 stars). 2 submissions from 2 submitters: Benign (1); Likely benign (1). Last evaluated 2026-09-01.

Allele frequency attached by ClinVar (database versions not stated): 1000 Genomes Project 0.00140; 1000 Genomes Project 30x 0.00141; ESP Exome Variant Server 0.00224; TOPMed 0.00256; gnomAD 0.00303.
gnomAD v4.1: 705 of 1,611,164 alleles (0.044%); highest among the groups gnomAD compares: African/African-American, 0.86%; 2 homozygotes.

Submissions (2):

CeGaT Center for Human Genetics Tuebingen
Classification: Likely benign. Last evaluated: 2026-09-01. Review status: criteria provided, single submitter. Criteria: CeGaT Center For Human Genetics Tuebingen Variant Classification Criteria Version 2. Collection method: clinical testing. Allele origin: germline. Affected: yes. Observed: 1 variant allele.
Comment: ABCA7: BP4

Labcorp Genetics (formerly Invitae), Labcorp
Classification: Benign. Last evaluated: 2019-12-31. Review status: criteria provided, single submitter. Criteria: Invitae Variant Classification Sherloc (09022015). Collection method: clinical testing. Allele origin: germline.